The following is an entry in ClinVar:

ClinVar aggregate classification (germline): Pathogenic. Review status: criteria provided, multiple submitters, no conflicts (2 of 4 stars). 2 submissions from 2 submitters: Pathogenic (2). Last evaluated 2024-05-14.

Conditions:
Combined immunodeficiency due to DOCK8 deficiency (HIES2). Also called: HIES autosomal recessive; Hyper-IgE recurrent infection syndrome, autosomal recessive; HYPER-IgE RECURRENT INFECTION SYNDROME 2, AUTOSOMAL RECESSIVE; HYPER-IgE SYNDROME 2, AUTOSOMAL RECESSIVE, WITH RECURRENT INFECTIONS; DOCK8 Deficiency. Identifiers: Orphanet 217390, MedGen C4722305, MONDO:0009478, OMIM 243700.

Submissions (2):

Labcorp Genetics (formerly Invitae), Labcorp
Classification: Pathogenic for Combined immunodeficiency due to DOCK8 deficiency. Last evaluated: 2024-05-14. Review status: criteria provided, single submitter. Criteria: Invitae Variant Classification Sherloc (09022015). Collection method: clinical testing. Allele origin: germline.
Comment: This sequence change creates a premature translational stop signal (p.Leu1754Argfs*6) in the DOCK8 gene. It is expected to result in an absent or disrupted protein product. Loss-of-function variants in DOCK8 are known to be pathogenic (PMID: 14722525, 19776401). This variant is not present in population databases (gnomAD no frequency). This premature translational stop signal has been observed in individual(s) with DOCK8 deficiency (PMID: 28890024). This variant is also known as c.5057delT, p.Leu1686ArgfsX6. ClinVar contains an entry for this variant (Variation ID: 280647). For these reasons, this variant has been classified as Pathogenic.

GeneDx
Classification: Pathogenic. Last evaluated: 2017-01-13. Review status: criteria provided, single submitter. Criteria: GeneDx Variant Classification (06012015). Collection method: clinical testing. Allele origin: germline. Affected: yes.
Comment: The c.5057delT pathogenic variant in the DOCK8 gene causes a frameshift starting with codon Leucine1686, changes this amino acid to a Arginine residue and creates a premature Stop codon at position 6 of the new reading frame, denoted p.Leu1686ArgfsX6. This pathogenic variant is predicted to cause loss of normal protein function either through protein truncation or nonsense-mediated mRNA decay. In addition, the c.5057delT variant was not observed in approximately 6,500 individuals of European and African American ancestry in the NHLBI Exome Sequencing Project.

Literature cited by the submitters: PubMed 14722525 (cited by Labcorp Genetics (formerly Invitae), Labcorp); PubMed 19776401 (cited by Labcorp Genetics (formerly Invitae), Labcorp); PubMed 28890024 (cited by Labcorp Genetics (formerly Invitae), Labcorp).

NM_203447.4(DOCK8):c.5261del (p.Leu1754fs)

Gene: DOCK8 (dedicator of cytokinesis 8; plus strand). Cytogenetic location: 9p24.3.
Variant type: Deletion.
Coding change: c.5261del on transcript NM_203447.4 (MANE Select); coding-DNA position 5261, one base deleted (T; older notation c.5261delT).
Protein change: p.Leu1754fs; shifts the reading frame from leucine 1754.
Molecular consequence: frameshift variant.
Genome position (GRCh38, 1-based): chr9:441,323, T deleted. VCF-style (leftmost placement, unchanged base first): chr9-441322-CT-C. GRCh37 (hg19) VCF-style: chr9-441322-CT-C.
Other names: c.5057delT (NM_001193536.1); c.5261delT (NM_203447.3); c.4961del, p.Leu1654fs (NM_001190458.2); c.5057del, p.Leu1686fs (NM_001193536.2); short protein forms L1754fs, L1654fs, L1686fs.
Identifiers: ClinVar variation 280647 (VCV000280647.5), dbSNP rs886041815, ClinGen allele CA10603210.
Genomic context (GRCh38, chr9:441,322, plus strand): 5'-TGATGCTCTTCTCCTCTTTCCAAGGGAGGCTTATATGAGACAGTTAATGAGGTCTACAAG[CT>C]GGTCATCCCCATCCTAGAAGCGCATCGAGAATTCCGGAAGCTGACACTCACTCACAGCAA-3'